The following is an entry in ClinVar:

ClinVar aggregate classification (germline): Uncertain significance (1 of 4 stars; one submission).

Conditions:
NUP188-related disorder. Also called: NUP188-related condition.

Allele frequency attached by ClinVar (database versions not stated): gnomAD exomes 0.00003; gnomAD 0.00006; TOPMed 0.00007; ExAC 0.00012; 1000 Genomes Project 30x 0.00016; 1000 Genomes Project 0.00020.
gnomAD v4.1: 60 of 1,614,194 alleles (0.0037%); highest among the groups gnomAD compares: East Asian, 0.08%; no homozygotes.

Submission:

PreventionGenetics, part of Exact Sciences
Classification: Uncertain significance for NUP188-related condition. Last evaluated: 2022-08-22. Review status: criteria provided, single submitter. Criteria: ACMG Guidelines, 2015. Collection method: clinical testing. Allele origin: germline.
Comment: The NUP188 c.5018C>T variant is predicted to result in the amino acid substitution p.Pro1673Leu. To our knowledge, this variant has not been reported in the literature. This variant is reported in 0.14% of alleles in individuals of East Asian descent in gnomAD. At this time, the clinical significance of this variant is uncertain due to the absence of conclusive functional and genetic evidence.

NM_015354.3(NUP188):c.5018C>T (p.Pro1673Leu)

Gene: NUP188 (nucleoporin 188; plus strand). Cytogenetic location: 9q34.11.
Variant type: single nucleotide variant.
Coding change: c.5018C>T on transcript NM_015354.3 (MANE Select); coding-DNA position 5018, C replaced by T.
Protein change: p.Pro1673Leu; replaces proline 1673 with leucine.
Molecular consequence: missense variant.
Genome position (GRCh38, 1-based): chr9:129,006,313, C>T. VCF-style: chr9-129006313-C-T. GRCh37 (hg19) VCF-style: chr9-131768592-C-T.
Other names: short protein forms P1673L.
Identifiers: ClinVar variation 2635072 (VCV002635072.1), dbSNP rs568477773, ClinGen allele CA5273536.
Genomic context (GRCh38, chr9:129,006,313, plus strand): 5'-TTACCATGGAAAACTGCTTCTACCTGCTCATCTCTCAGGCGATGCGGTACCTTAGGGACC[C>T]GGCTGTGCACCCCCGGGACAAACAGCGGATGAAGCAGGAGCTCAGCTCTGAGTTGGTACG-3'
Protein context (NP_056169.1, residues 1663-1683): ISQAMRYLRD[Pro1673Leu]AVHPRDKQRM